The following is an entry in ClinVar:

NM_032383.5(HPS3):c.589dup (p.Tyr197fs)

Gene: HPS3 (HPS3 biogenesis of lysosomal organelles complex 2 subunit 1; plus strand). Cytogenetic location: 3q24.
Variant type: Duplication.
Coding change: c.589dup on transcript NM_032383.5 (MANE Select); coding-DNA position 589, one base duplicated (T; older notation c.589dupT).
Protein change: p.Tyr197fs; shifts the reading frame from tyrosine 197.
Molecular consequence: frameshift variant. On other transcripts: intron variant (1).
Genome position (GRCh38, 1-based): chr3:149,140,375, T duplicated. VCF-style (leftmost placement, unchanged base first): chr3-149140374-A-AT. GRCh37 (hg19) VCF-style: chr3-148858161-A-AT.
Other names: c.589dup (NM_032383.4); c.218-642dup (NM_001308258.2); short protein forms Y197fs.
Identifiers: ClinVar variation 2676074 (VCV002676074.6), dbSNP rs2473069453, ClinGen allele CA2668133569.

ClinVar aggregate classification (germline): Pathogenic/Likely pathogenic. Review status: criteria provided, multiple submitters, no conflicts (2 of 4 stars). 3 submissions from 3 submitters: Pathogenic (1); Likely pathogenic (2). Last evaluated 2025-02-27.

Conditions:
Hermansky-Pudlak syndrome 3 (HPS3). Identifiers: Orphanet 231512, Orphanet 79430, MedGen C3888001, MONDO:0013555, OMIM 614072.
Hermansky-Pudlak syndrome (HPS). Also called: ALBINISM WITH HEMORRHAGIC DIATHESIS AND PIGMENTED RETICULOENDOTHELIAL CELLS. Identifiers: Orphanet 79430, MedGen C0079504, MONDO:0019312.

Allele frequency attached by ClinVar (database versions not stated): gnomAD exomes below 0.00001.

Submissions (3):

Natera, Inc.
Classification: Likely pathogenic for Hermansky-Pudlak syndrome. Last evaluated: 2025-02-27. Review status: criteria provided, single submitter. Criteria: Natera Variant Classification Schema (03/2026). Collection method: clinical testing. Allele origin: germline.
Comment: The c.589dup variant in HPS3 is a frameshift variant predicted to shift the reading frame beginning at codon 197 and leads to a stop codon 20 codons downstream. This variant is expected to result in nonsense mediated decay, truncation, or a dysfunctional protein product. This variant is rare in the general population with a frequency below the threshold expected for the associated phenotype(s). Given the available evidence, this variant is classified as Likely Pathogenic.

Baylor Genetics
Classification: Likely pathogenic for Hermansky-Pudlak syndrome 3. Last evaluated: 2023-07-29. Review status: criteria provided, single submitter. Criteria: ACMG Guidelines, 2015. Collection method: clinical testing. Allele origin: unknown.

Labcorp Genetics (formerly Invitae), Labcorp
Classification: Pathogenic. Last evaluated: 2023-01-17. Review status: criteria provided, single submitter. Criteria: Invitae Variant Classification Sherloc (09022015). Collection method: clinical testing. Allele origin: germline.
Comment: This sequence change creates a premature translational stop signal (p.Tyr197Leufs*20) in the HPS3 gene. It is expected to result in an absent or disrupted protein product. Loss-of-function variants in HPS3 are known to be pathogenic (PMID: 11590544). This variant is not present in population databases (gnomAD no frequency). This variant has not been reported in the literature in individuals affected with HPS3-related conditions. For these reasons, this variant has been classified as Pathogenic.

Literature cited by the submitters: PubMed 11590544 (cited by Labcorp Genetics (formerly Invitae), Labcorp).